The following is an entry in ClinVar:

NM_004629.2(FANCG):c.1633C>T (p.Pro545Ser)

Gene: FANCG (FA complementation group G; minus strand). Cytogenetic location: 9p13.3.
Variant type: single nucleotide variant.
Coding change: c.1633C>T on transcript NM_004629.2 (MANE Select); coding-DNA position 1633, C replaced by T.
Protein change: p.Pro545Ser; replaces proline 545 with serine.
Molecular consequence: missense variant.
Genome position (GRCh38, 1-based): chr9:35,074,930, G>A on the plus strand (C>T on the coding strand, the complement: FANCG is on the minus strand). VCF-style: chr9-35074930-G-A. GRCh37 (hg19) VCF-style: chr9-35074927-G-A.
Other names: short protein forms P545S.
Identifiers: ClinVar variation 3848389 (VCV003848389.1).

ClinVar aggregate classification (germline): Uncertain significance (1 of 4 stars; one submission).

Conditions:
Inborn genetic diseases. Identifiers: MedGen C0950123, MeSH D030342.

Submission:

Ambry Genetics
Classification: Uncertain significance for Inborn genetic diseases. Last evaluated: 2024-12-27. Review status: criteria provided, single submitter. Criteria: Ambry Variant Classification Scheme 2023. Collection method: clinical testing. Allele origin: germline.
Comment: The p.P545S variant (also known as c.1633C>T), located in coding exon 12 of the FANCG gene, results from a C to T substitution at nucleotide position 1633. The proline at codon 545 is replaced by serine, an amino acid with similar properties. This amino acid position is conserved. In addition, the in silico prediction for this alteration is inconclusive. Based on the available evidence, the clinical significance of this variant remains unclear.